The following is an entry in ClinVar:

ClinVar aggregate classification (germline): Likely benign. Review status: criteria provided, multiple submitters, no conflicts (2 of 4 stars). 2 submissions from 2 submitters: Likely benign (2). Last evaluated 2024-11-26.

Allele frequency attached by ClinVar (database versions not stated): 1000 Genomes Project 30x 0.00016; 1000 Genomes Project 0.00020; ExAC 0.00063; gnomAD 0.00074; ESP Exome Variant Server 0.00115; TOPMed 0.00116.
gnomAD v4.1: 2,277 of 1,614,118 alleles (0.14%); highest among the groups gnomAD compares: Non-Finnish European, 0.16%; 4 homozygotes.

Submissions (2):

Blueprint Genetics
Classification: Likely benign. Last evaluated: 2024-11-26. Review status: criteria provided, single submitter. Criteria: ACMG Guidelines, 2015. Collection method: clinical testing. Allele origin: germline.

CeGaT Center for Human Genetics Tuebingen
Classification: Likely benign. Last evaluated: 2024-06-01. Review status: criteria provided, single submitter. Criteria: CeGaT Center For Human Genetics Tuebingen Variant Classification Criteria Version 2. Collection method: clinical testing. Allele origin: germline. Affected: yes. Observed: 3 variant alleles.
Comment: PPP2R2B: BP4, BP7

NM_181675.4(PPP2R2B):c.1185G>T (p.Val395=)

Genes: PPP2R2B (protein phosphatase 2 regulatory subunit Bbeta; minus strand), PPP2R2B-AS2 (PPP2R2B antisense RNA 2; plus strand). Cytogenetic location: 5q32.
Variant type: single nucleotide variant.
Coding change: c.1185G>T on transcript NM_181675.4 (MANE Select); coding-DNA position 1185, G replaced by T.
Protein change: p.Val395=; no amino-acid change (valine 395 retained).
Molecular consequence: synonymous variant. On other transcripts: non-coding transcript variant (2).
Genome position (GRCh38, 1-based): chr5:146,590,094, C>A on the plus strand (G>T on the coding strand, the complement: PPP2R2B is on the minus strand). VCF-style: chr5-146590094-C-A. GRCh37 (hg19) VCF-style: chr5-145969657-C-A.
Other names: c.1194G>T, p.Val398= (NM_181676.3); c.1125G>T, p.Val375= (NM_181677.2); c.1152G>T, p.Val384= (NM_181678.2, NM_001271948.2); c.1185G>T, p.Val395= (NM_001127381.1, NM_004576.2); c.1203G>T, p.Val401= (NM_001271899.1); c.1359G>T, p.Val453= (NM_001271900.2); c.1383G>T, p.Val461= (NM_181674.3).
Identifiers: ClinVar variation 1879634 (VCV001879634.30), dbSNP rs150241846, ClinGen allele CA3492524.
Genomic context (GRCh38, chr5:146,590,094, plus strand): 5'-GATCTTTTTGCTAAAGTCCAGACTGTCGACACTGATCTCGTCTTTTCTCCGCTTGCCCCC[C>A]ACACACACTTTTCGGGGTTTGAGGATAGCCCGGGGCTTGCTGTTTTCCCTCGAAGCCTCA-3'
Protein context (NP_858061.3, residues 385-405): RAILKPRKVC[Val395=]GGKRRKDEIS